The following is an entry in ClinVar:

ClinVar aggregate classification (germline): Conflicting classifications of pathogenicity. Review status: criteria provided, conflicting classifications (1 of 4 stars). 3 submissions from 3 submitters: Pathogenic (1); Likely pathogenic (1); Uncertain significance (1). Last evaluated 2025-12-30.

Conditions:
Argininosuccinate lyase deficiency. Also called: ARGININOSUCCINIC ACID LYASE DEFICIENCY; ASL DEFICIENCY; Argininosuccinic aciduria. Identifiers: Orphanet 23, MedGen C0268547, MONDO:0008815, OMIM 207900, HP:0025630.

Submissions (3):

Myriad Genetics, Inc.
Classification: Uncertain significance for Argininosuccinate lyase deficiency. Last evaluated: 2025-12-30. Review status: criteria provided, single submitter. Criteria: Myriad Autosomal Dominant, Autosomal Recessive and X-Linked Classification Criteria (2023). Collection method: clinical testing. Allele origin: unknown.
Comment: NM_001024943.1(ASL):c.437G>C(R146P) is a missense variant classified as a variant of uncertain significance in the context of argininosuccinic aciduria. R146P has not been observed in cases with relevant disease. Relevant functional assessments of this variant are not available in the literature. R146P has not been observed in referenced population frequency databases. In summary, there is insufficient evidence to classify NM_001024943.1(ASL):c.437G>C(R146P) as pathogenic or benign. Please note: this variant was assessed in the context of healthy population screening.

Women's Health and Genetics/Laboratory Corporation of America, LabCorp
Classification: Likely pathogenic for Argininosuccinate lyase deficiency. Last evaluated: 2025-07-10. Review status: criteria provided, single submitter. Criteria: LabCorp Variant Classification Summary - May 2015. Collection method: clinical testing. Allele origin: germline.
Comment: Variant summary: ASL c.437G>C (p.Arg146Pro) results in a non-conservative amino acid change located in the Fumarate lyase, N-terminal domain (IPR022761) of the encoded protein sequence. Algorithms developed to predict the effect of missense changes on protein structure and function all suggest that this variant is likely to be disruptive. The variant was absent in 249972 control chromosomes. c.437G>C has been observed in individual(s) affected with Argininosuccinic Aciduria (internal_testing). Different variants affecting the same codon have been classified as likely pathogenic/pathogenic by our lab (p.Arg146Gly, p.Arg146Trp, p.Arg146Gln), supporting the critical relevance of codon 146 to ASL protein function. To our knowledge, no experimental evidence demonstrating an impact on protein function has been reported. ClinVar contains an entry for this variant (Variation ID: 1512721). Based on the evidence outlined above, the variant was classified as likely pathogenic.

Labcorp Genetics (formerly Invitae), Labcorp
Classification: Pathogenic for Argininosuccinate lyase deficiency. Last evaluated: 2024-02-20. Review status: criteria provided, single submitter. Criteria: Invitae Variant Classification Sherloc (09022015). Collection method: clinical testing. Allele origin: germline.
Comment: This sequence change replaces arginine, which is basic and polar, with proline, which is neutral and non-polar, at codon 146 of the ASL protein (p.Arg146Pro). This variant is not present in population databases (gnomAD no frequency). This missense change has been observed in individual(s) with argininosuccinate lyase deficiency (Invitae). ClinVar contains an entry for this variant (Variation ID: 1512721). Advanced modeling of protein sequence and biophysical properties (such as structural, functional, and spatial information, amino acid conservation, physicochemical variation, residue mobility, and thermodynamic stability) performed at Invitae indicates that this missense variant is expected to disrupt ASL protein function with a positive predictive value of 95%. This variant disrupts the p.Arg146 amino acid residue in ASL. Other variant(s) that disrupt this residue have been determined to be pathogenic (PMID: 24166829, 28251416). This suggests that this residue is clinically significant, and that variants that disrupt this residue are likely to be disease-causing. For these reasons, this variant has been classified as Pathogenic.

Literature cited by the submitters: PubMed 24166829 (cited by Labcorp Genetics (formerly Invitae), Labcorp); PubMed 28251416 (cited by Labcorp Genetics (formerly Invitae), Labcorp).

NM_000048.4(ASL):c.437G>C (p.Arg146Pro)

Gene: ASL (argininosuccinate lyase; plus strand). Cytogenetic location: 7q11.21.
Variant type: single nucleotide variant.
Coding change: c.437G>C on transcript NM_000048.4 (MANE Select); coding-DNA position 437, G replaced by C.
Protein change: p.Arg146Pro; replaces arginine 146 with proline.
Molecular consequence: missense variant.
Genome position (GRCh38, 1-based): chr7:66,083,165, G>C. VCF-style: chr7-66083165-G-C. GRCh37 (hg19) VCF-style: chr7-65548152-G-C.
Other names: c.437G>C, p.Arg146Pro (NM_001024943.2, NM_001024944.2, NM_001024946.2); short protein forms R146P.
Identifiers: ClinVar variation 1512721 (VCV001512721.9), dbSNP rs796051931, ClinGen allele CA367639537.
Genomic context (GRCh38, chr7:66,083,165, plus strand): 5'-GGCAGACCTGCTCCACGCTCTCGGGCCTCCTCTGGGAGCTCATTAGGACCATGGTGGATC[G>C]GGCAGAGGCGTGAGTCCTACAGGGACACCCAGGGGGCAGACAGAGGTGTGATGGAAGCCT-3'
Protein context (NP_000039.2, residues 136-156): LWELIRTMVD[Arg146Pro]AEAERDVLFP